The following is an entry in ClinVar:

NM_006950.3(SYN1):c.634A>G (p.Ser212Gly)

Gene: SYN1 (synapsin I; minus strand). Cytogenetic location: Xp11.23.
Variant type: single nucleotide variant.
Coding change: c.634A>G on transcript NM_006950.3 (MANE Select); coding-DNA position 634, A replaced by G.
Protein change: p.Ser212Gly; replaces serine 212 with glycine.
Molecular consequence: missense variant.
Genome position (GRCh38, 1-based): chrX:47,605,273, T>C on the plus strand (A>G on the coding strand, the complement: SYN1 is on the minus strand). VCF-style: chrX-47605273-T-C. GRCh37 (hg19) VCF-style: chrX-47464672-T-C.
Other names: c.634A>G, p.Ser212Gly (NM_133499.2); short protein forms S212G.
Identifiers: ClinVar variation 3344330 (VCV003344330.1).

ClinVar aggregate classification (germline): Uncertain significance (0 of 4 stars; one submission).

Conditions:
SYN1-related disorder. Also called: SYN1-related condition; SYN1-Related Disorders.

gnomAD v4.1: 1 of 1,209,290 alleles (0.000083%); highest among the groups gnomAD compares: Admixed American, 0.0022%; no homozygotes.

Submission:

PreventionGenetics, part of Exact Sciences
Classification: Uncertain significance for SYN1-related condition. Last evaluated: 2024-09-05. Review status: no assertion criteria provided. Collection method: clinical testing. Allele origin: germline.
Comment: The SYN1 c.634A>G variant is predicted to result in the amino acid substitution p.Ser212Gly. To our knowledge, this variant has not been reported in the literature. This variant is reported in 0.0037% of alleles in individuals of Latino descent in gnomAD. A different amino acid substitution affecting the same residue (p.Ser212Ile) was identified in the hemizygous state in an individual with autism (Rossi et al. 2017. PubMed ID: 28330790); however, additional evidence was not provided to establish causation. At this time, the clinical significance of the c.634A>G (p.Ser212Gly) variant is uncertain due to the absence of conclusive functional and genetic evidence.